The following is an entry in ClinVar:

ClinVar aggregate classification (germline): Likely benign. Review status: criteria provided, single submitter (1 of 4 stars). 2 submissions from 2 submitters: Likely benign (1). 1 of the submissions does not count toward it. Last evaluated 2025-12-10.

Conditions:
Glycogen storage disease IXd (GSD9D). Also called: Muscle Phosphorylase Kinase Deficiency; GSD IXd. Identifiers: Orphanet 715, MedGen C1845151, MONDO:0010362, OMIM 300559.
PHKA1-related disorder. Also called: PHKA1-related condition.

Allele frequency attached by ClinVar (database versions not stated): gnomAD exomes below 0.00001; gnomAD 0.00001; ExAC 0.00002; TOPMed 0.00004; ESP Exome Variant Server 0.00019.
gnomAD v4.1: 5 of 1,203,587 alleles (0.00042%); highest among the groups gnomAD compares: African/African-American, 0.0087%; no homozygotes.

Submissions (2):

Labcorp Genetics (formerly Invitae), Labcorp
Classification: Likely benign for Glycogen storage disease IXd. Last evaluated: 2025-12-10. Review status: criteria provided, single submitter. Criteria: Invitae Variant Classification Sherloc (09022015). Collection method: clinical testing. Allele origin: germline.

PreventionGenetics, part of Exact Sciences
Classification: Likely benign for PHKA1-related condition. Last evaluated: 2020-08-21. Review status: no assertion criteria provided. Collection method: clinical testing. Allele origin: germline. Not counted in ClinVar's aggregate classification.
Comment: This variant is classified as likely benign based on ACMG/AMP sequence variant interpretation guidelines (Richards et al. 2015 PMID: 25741868, with internal and published modifications).

NM_002637.4(PHKA1):c.3120A>G (p.Ala1040=)

Gene: PHKA1 (phosphorylase kinase regulatory subunit alpha 1; minus strand). Cytogenetic location: Xq13.1.
Variant type: single nucleotide variant.
Coding change: c.3120A>G on transcript NM_002637.4 (MANE Select); coding-DNA position 3120, A replaced by G.
Protein change: p.Ala1040=; no amino-acid change (alanine 1040 retained).
Molecular consequence: synonymous variant.
Genome position (GRCh38, 1-based): chrX:72,593,227, T>C on the plus strand (A>G on the coding strand, the complement: PHKA1 is on the minus strand). VCF-style: chrX-72593227-T-C. GRCh37 (hg19) VCF-style: chrX-71813077-T-C.
Other names: c.3120A>G (NM_002637.3); c.3081A>G, p.Ala1027= (NM_001122670.2); c.2904A>G, p.Ala968= (NM_001172436.2).
Identifiers: ClinVar variation 2741942 (VCV002741942.5), dbSNP rs140225187, ClinGen allele CA10450522.
Genomic context (GRCh38, chrX:72,593,227, plus strand): 5'-CAGCCTTCTTCGGCGTTGCCATTGACCTTGACGACTATCTTTAGATGACTGCTGATCATA[T>C]GCACTAGGAAAGGACCCACTACTTGGAGTCATAGAGGTTCCAGGTGACTTGGAAGAGGAG-3'
Protein context (NP_002628.2, residues 1030-1050): MTPSSGSFPS[Ala1040=]YDQQSSKDSR